The following is an entry in ClinVar:

NM_005609.4(PYGM):c.2500C>G (p.Arg834Gly)

Gene: PYGM (glycogen phosphorylase, muscle associated; minus strand). Cytogenetic location: 11q13.1.
Variant type: single nucleotide variant.
Coding change: c.2500C>G on transcript NM_005609.4 (MANE Select); coding-DNA position 2500, C replaced by G.
Protein change: p.Arg834Gly; replaces arginine 834 with glycine.
Molecular consequence: missense variant.
Genome position (GRCh38, 1-based): chr11:64,746,688, G>C on the plus strand (C>G on the coding strand, the complement: PYGM is on the minus strand). VCF-style: chr11-64746688-G-C. GRCh37 (hg19) VCF-style: chr11-64514160-G-C.
Other names: c.2500C>G (NM_005609.2); c.2236C>G, p.Arg746Gly (NM_001164716.1); short protein forms R834G, R746G.
Identifiers: ClinVar variation 2147361 (VCV002147361.3), dbSNP rs200118962, ClinGen allele CA381162636.

ClinVar aggregate classification (germline): Uncertain significance. Review status: criteria provided, multiple submitters, no conflicts (2 of 4 stars). 2 submissions from 2 submitters: Uncertain significance (2). Last evaluated 2023-06-02.

Conditions:
Glycogen storage disease, type V (GSD5). Also called: McArdle type glycogen storage disease; MCARDLE DISEASE; MUSCLE GLYCOGEN PHOSPHORYLASE DEFICIENCY; MYOPHOSPHORYLASE DEFICIENCY; PYGM DEFICIENCY. Identifiers: Orphanet 368, MedGen C0017924, MONDO:0009293, OMIM 232600.
Inborn genetic diseases. Identifiers: MedGen C0950123, MeSH D030342.

gnomAD v4.1: 3 of 1,614,204 alleles (0.00019%); highest among the groups gnomAD compares: Admixed American, 0.0033%; no homozygotes.

Submissions (2):

Ambry Genetics
Classification: Uncertain significance for Inborn genetic diseases. Last evaluated: 2023-06-02. Review status: criteria provided, single submitter. Criteria: Ambry Variant Classification Scheme 2023. Collection method: clinical testing. Allele origin: germline.

Labcorp Genetics (formerly Invitae), Labcorp
Classification: Uncertain significance for Glycogen storage disease, type V. Last evaluated: 2022-10-17. Review status: criteria provided, single submitter. Criteria: Invitae Variant Classification Sherloc (09022015). Collection method: clinical testing. Allele origin: germline.
Comment: This sequence change replaces arginine, which is basic and polar, with glycine, which is neutral and non-polar, at codon 834 of the PYGM protein (p.Arg834Gly). This variant is present in population databases (no rsID available, gnomAD 0.006%). This variant has not been reported in the literature in individuals affected with PYGM-related conditions. Advanced modeling of protein sequence and biophysical properties (such as structural, functional, and spatial information, amino acid conservation, physicochemical variation, residue mobility, and thermodynamic stability) has been performed at Invitae for this missense variant, however the output from this modeling did not meet the statistical confidence thresholds required to predict the impact of this variant on PYGM protein function. In summary, the available evidence is currently insufficient to determine the role of this variant in disease. Therefore, it has been classified as a Variant of Uncertain Significance.